The following is an entry in ClinVar:

ClinVar aggregate classification (germline): Uncertain significance (1 of 4 stars; one submission).

Conditions:
Cardiovascular phenotype. Identifiers: MedGen CN230736.

Allele frequency attached by ClinVar (database versions not stated): gnomAD exomes below 0.00001.
gnomAD v4.1: 1 of 1,613,254 alleles (0.000062%); highest among the groups gnomAD compares: Non-Finnish European, 0.000085%; no homozygotes.

Submission:

Ambry Genetics
Classification: Uncertain significance for Cardiovascular phenotype. Last evaluated: 2021-07-18. Review status: criteria provided, single submitter. Criteria: Ambry Variant Classification Scheme 2023. Collection method: clinical testing. Allele origin: germline.
Comment: The p.V2127G variant (also known as c.6380T>G), located in coding exon 17 of the TNXB gene, results from a T to G substitution at nucleotide position 6380. The valine at codon 2127 is replaced by glycine, an amino acid with dissimilar properties. This amino acid position is conserved. In addition, the in silico prediction for this alteration is inconclusive. Since supporting evidence is limited at this time, the clinical significance of this alteration remains unclear.

NM_001365276.2(TNXB):c.6380T>G (p.Val2127Gly)

Gene: TNXB (tenascin XB; minus strand). Cytogenetic location: 6p21.33.
Variant type: single nucleotide variant.
Coding change: c.6380T>G on transcript NM_001365276.2 (MANE Select); coding-DNA position 6380, T replaced by G.
Protein change: p.Val2127Gly; replaces valine 2127 with glycine.
Molecular consequence: missense variant.
Genome position (GRCh38, 1-based): chr6:32,067,825, A>C on the plus strand (T>G on the coding strand, the complement: TNXB is on the minus strand). VCF-style: chr6-32067825-A-C. GRCh37 (hg19) VCF-style: chr6-32035602-A-C.
Other names: c.6380T>G, p.Val2127Gly (NM_019105.8); short protein forms V2127G.
Identifiers: ClinVar variation 1753176 (VCV001753176.2), dbSNP rs1371123071, ClinGen allele CA363399967.